The following is an entry in ClinVar:

NM_000093.5(COL5A1):c.5308A>G (p.Asn1770Asp)

Genes: COL5A1 (collagen type V alpha 1 chain; plus strand), LOC101448202 (uncharacterized LOC101448202; minus strand). Cytogenetic location: 9q34.3.
Variant type: single nucleotide variant.
Coding change: c.5308A>G on transcript NM_000093.5 (MANE Select); coding-DNA position 5308, A replaced by G.
Protein change: p.Asn1770Asp; replaces asparagine 1770 with aspartic acid.
Molecular consequence: missense variant.
Genome position (GRCh38, 1-based): chr9:134,835,142, A>G. VCF-style: chr9-134835142-A-G. GRCh37 (hg19) VCF-style: chr9-137726988-A-G.
Other names: c.5308A>G, p.Asn1770Asp (NM_001278074.1); short protein forms N1770D.
Identifiers: ClinVar variation 1465898 (VCV001465898.5), dbSNP rs2132926010, ClinGen allele CA375460807.

ClinVar aggregate classification (germline): Uncertain significance (1 of 4 stars; one submission).

Conditions:
Ehlers-Danlos syndrome, classic type, 1 (EDSCL1). Also called: EHLERS-DANLOS SYNDROME, GRAVIS TYPE; EHLERS-DANLOS SYNDROME, SEVERE CLASSIC TYPE; Ehlers-Danlos syndrome, type 1; Ehlers-Danlos Syndrome, Classic Type, COL5A1-Related; EDS I. Identifiers: MedGen C0268335, MONDO:0019567, OMIM 130000.

Allele frequency attached by ClinVar (database versions not stated): gnomAD exomes below 0.00001.
gnomAD v4.1: 1 of 1,613,846 alleles (0.000062%); highest among the groups gnomAD compares: Non-Finnish European, 0.000085%; no homozygotes.

Submission:

Labcorp Genetics (formerly Invitae), Labcorp
Classification: Uncertain significance for Ehlers-Danlos syndrome, classic type, 1. Last evaluated: 2021-09-01. Review status: criteria provided, single submitter. Criteria: Invitae Variant Classification Sherloc (09022015). Collection method: clinical testing. Allele origin: germline.
Comment: This sequence change replaces asparagine with aspartic acid at codon 1770 of the COL5A1 protein (p.Asn1770Asp). The asparagine residue is moderately conserved and there is a small physicochemical difference between asparagine and aspartic acid. This variant is not present in population databases (ExAC no frequency). This variant has not been reported in the literature in individuals affected with COL5A1-related conditions. Advanced modeling of protein sequence and biophysical properties (such as structural, functional, and spatial information, amino acid conservation, physicochemical variation, residue mobility, and thermodynamic stability) performed at Invitae indicates that this missense variant is not expected to disrupt COL5A1 protein function. In summary, the available evidence is currently insufficient to determine the role of this variant in disease. Therefore, it has been classified as a Variant of Uncertain Significance.